The following is an entry in ClinVar:

NM_130847.3(AMOTL1):c.1523T>C (p.Ile508Thr)

Gene: AMOTL1 (angiomotin like 1; plus strand). Cytogenetic location: 11q21.
Variant type: single nucleotide variant.
Coding change: c.1523T>C on transcript NM_130847.3 (MANE Select); coding-DNA position 1523, T replaced by C.
Protein change: p.Ile508Thr; replaces isoleucine 508 with threonine.
Molecular consequence: missense variant.
Genome position (GRCh38, 1-based): chr11:94,830,159, T>C. VCF-style: chr11-94830159-T-C. GRCh37 (hg19) VCF-style: chr11-94563325-T-C.
Other names: c.1373T>C, p.Ile458Thr (NM_001301007.2); short protein forms I458T, I508T.
Identifiers: ClinVar variation 2430711 (VCV002430711.2), dbSNP rs2496168319, ClinGen allele CA382400952.

ClinVar aggregate classification (germline): Uncertain significance (1 of 4 stars; one submission).

Submission:

GeneDx
Classification: Uncertain significance. Last evaluated: 2025-09-26. Review status: criteria provided, single submitter. Criteria: GeneDx Variant Classification Process June 2021. Collection method: clinical testing. Allele origin: germline.
Comment: Not observed at significant frequency in large population cohorts (gnomAD); In silico analysis supports that this missense variant has a deleterious effect on protein structure/function; Has not been previously published as pathogenic or benign to our knowledge